The following is an entry in ClinVar:

NM_000057.4(BLM):c.829G>T (p.Glu277Ter)

Gene: BLM (BLM RecQ like helicase; plus strand). Cytogenetic location: 15q26.1.
Variant type: single nucleotide variant.
Coding change: c.829G>T on transcript NM_000057.4 (MANE Select); coding-DNA position 829, G replaced by T.
Protein change: p.Glu277Ter; replaces glutamic acid 277 with a stop codon.
Molecular consequence: nonsense. On other transcripts: 5 prime UTR variant (1).
Genome position (GRCh38, 1-based): chr15:90,751,816, G>T. VCF-style: chr15-90751816-G-T. GRCh37 (hg19) VCF-style: chr15-91295046-G-T.
Other names: c.829G>T, p.Glu277Ter (NM_001287246.2, NM_001287247.2); c.-463G>T (NM_001287248.2); short protein forms E277*.
Identifiers: ClinVar variation 827564 (VCV000827564.11), dbSNP rs1596221020, ClinGen allele CA393841679.

ClinVar aggregate classification (germline): Pathogenic. Review status: criteria provided, multiple submitters, no conflicts (2 of 4 stars). 2 submissions from 2 submitters: Pathogenic (2). Last evaluated 2020-03-18.

Conditions:
Hereditary cancer-predisposing syndrome. Also called: Neoplastic Syndromes, Hereditary; Tumor predisposition; Hereditary neoplastic syndrome; Hereditary Cancer Syndrome. Identifiers: Orphanet 140162, MedGen C0027672, MeSH D009386, MONDO:0015356.
Bloom syndrome (BLM). Also called: Bloom-Torre-Machacek syndrome. Identifiers: Orphanet 125, MedGen C0005859, MONDO:0008876, OMIM 210900.

Submissions (2):

Labcorp Genetics (formerly Invitae), Labcorp
Classification: Pathogenic for Bloom syndrome. Last evaluated: 2020-03-18. Review status: criteria provided, single submitter. Criteria: Invitae Variant Classification Sherloc (09022015). Collection method: clinical testing. Allele origin: germline.
Comment: For these reasons, this variant has been classified as Pathogenic. Loss-of-function variants in BLM are known to be pathogenic (PMID: 17407155). This variant has not been reported in the literature in individuals with BLM-related conditions. This variant is not present in population databases (ExAC no frequency). This sequence change creates a premature translational stop signal (p.Glu277*) in the BLM gene. It is expected to result in an absent or disrupted protein product.

Ambry Genetics
Classification: Pathogenic for Hereditary cancer-predisposing syndrome. Last evaluated: 2019-06-14. Review status: criteria provided, single submitter. Criteria: Ambry Variant Classification Scheme 2023. Collection method: clinical testing. Allele origin: germline.
Comment: The p.E277* pathogenic mutation (also known as c.829G>T), located in coding exon 3 of the BLM gene, results from a G to T substitution at nucleotide position 829. This changes the amino acid from a glutamic acid to a stop codon within coding exon 3. This alteration is expected to result in loss of function by premature protein truncation or nonsense-mediated mRNA decay. As such, this alteration is interpreted as a disease-causing mutation.

Literature cited by the submitters: PubMed 17407155 (cited by Labcorp Genetics (formerly Invitae), Labcorp).